The following is an entry in ClinVar:

NM_001267550.2(TTN):c.88059C>A (p.Ser29353Arg)

Genes: TTN (titin; minus strand), TTN-AS1 (TTN antisense RNA 1; plus strand). Cytogenetic location: 2q31.2.
Variant type: single nucleotide variant.
Coding change: c.88059C>A on transcript NM_001267550.2 (MANE Select); coding-DNA position 88059, C replaced by A.
Protein change: p.Ser29353Arg; replaces serine 29353 with arginine.
Molecular consequence: missense variant.
Genome position (GRCh38, 1-based): chr2:178,557,095, G>T on the plus strand (C>A on the coding strand, the complement: TTN is on the minus strand). VCF-style: chr2-178557095-G-T. GRCh37 (hg19) VCF-style: chr2-179421822-G-T.
Other names: c.88059C>A (NM_001267550.1); c.83136C>A, p.Ser27712Arg (NM_001256850.1); c.60864C>A, p.Ser20288Arg (NM_003319.4); c.80355C>A, p.Ser26785Arg (NM_133378.4); c.61239C>A, p.Ser20413Arg (NM_133432.3); c.61440C>A, p.Ser20480Arg (NM_133437.4); short protein forms S26785R, S29353R, S20413R, S20480R, S20288R, S27712R.
Identifiers: ClinVar variation 497043 (VCV000497043.10), dbSNP rs1311421658, ClinGen allele CA349532012.

ClinVar aggregate classification (germline): Uncertain significance. Review status: criteria provided, multiple submitters, no conflicts (2 of 4 stars). 4 submissions from 4 submitters: Uncertain significance (4). Last evaluated 2026-07-10.

Conditions:
TTN-related disorder. Also called: TTN-related condition; TTN-related disease; TTN-related disorders.

Allele frequency attached by ClinVar (database versions not stated): gnomAD exomes below 0.00001 and 0.00001; gnomAD 0.00001; TOPMed 0.00002.
gnomAD v4.1: 15 of 1,613,582 alleles (0.00093%); highest among the groups gnomAD compares: Non-Finnish European, 0.0013%; no homozygotes.

Submissions (4):

PreventionGenetics, part of Exact Sciences
Classification: Uncertain significance for TTN-related condition. Last evaluated: 2026-07-10. Review status: criteria provided, single submitter. Criteria: ACMG Guidelines, 2015. Collection method: clinical testing. Allele origin: germline.
Comment: The TTN c.88059C>A variant is predicted to result in the amino acid substitution p.Ser29353Arg. To our knowledge, this variant has not been reported in the literature. This variant is reported in 0.0024% of alleles in individuals of European (Non-Finnish) descent in gnomAD. At this time, the clinical significance of this variant is uncertain due to the absence of conclusive functional and genetic evidence.

Women's Health and Genetics/Laboratory Corporation of America, LabCorp
Classification: Uncertain significance. Last evaluated: 2023-12-27. Review status: criteria provided, single submitter. Criteria: LabCorp Variant Classification Summary - May 2015. Collection method: clinical testing. Allele origin: germline.
Comment: Variant summary: TTN c.80355C>A (p.Ser26785Arg) results in a non-conservative amino acid change located in the A-band region of the encoded protein sequence. Three of four in-silico tools predict a damaging effect of the variant on protein function. The variant allele was found at a frequency of 9.3e-06 in 1606588 control chromosomes in the gnomAD database (v4.0 dataset). To our knowledge, no occurrence of c.80355C>A in individuals affected with Limb-Girdle Muscular Dystrophy, Type 2J and no experimental evidence demonstrating its impact on protein function have been reported. Two submitters have cited clinical-significance assessments for this variant to ClinVar after 2014. All submitters classified the variant as uncertain significance. Based on the evidence outlined above, the variant was classified as uncertain significance.

GeneDx
Classification: Uncertain significance. Last evaluated: 2023-03-08. Review status: criteria provided, single submitter. Criteria: GeneDx Variant Classification Process June 2021. Collection method: clinical testing. Allele origin: germline. Affected: yes.
Comment: Not observed at significant frequency in large population cohorts (gnomAD); Missense variant in a gene in which most reported pathogenic variants are truncating/loss of function; Has not been previously published as pathogenic or benign to our knowledge

Eurofins Ntd Llc (ga)
Classification: Uncertain significance. Last evaluated: 2017-01-19. Review status: criteria provided, single submitter. Criteria: EGL Classification Definitions 2015. Collection method: clinical testing. Allele origin: germline. Observed: 2 variant alleles, 2 heterozygotes.